The following is an entry in ClinVar:

ClinVar aggregate classification (germline): Likely benign (0 of 4 stars; one submission).

Conditions:
LAMC1-related disorder. Also called: LAMC1-related condition.

Submission:

PreventionGenetics, part of Exact Sciences
Classification: Likely benign for LAMC1-related condition. Last evaluated: 2019-12-16. Review status: no assertion criteria provided. Collection method: clinical testing. Allele origin: germline.
Comment: This variant is classified as likely benign based on ACMG/AMP sequence variant interpretation guidelines (Richards et al. 2015 PMID: 25741868, with internal and published modifications).

NM_002293.4(LAMC1):c.*3T>A

Gene: LAMC1 (laminin subunit gamma 1; plus strand). Cytogenetic location: 1q25.3.
Variant type: single nucleotide variant.
Coding change: c.*3T>A on transcript NM_002293.4 (MANE Select); 3 bases downstream of the stop codon, T replaced by A.
Molecular consequence: 3 prime UTR variant.
Genome position (GRCh38, 1-based): chr1:183,142,793, T>A. VCF-style: chr1-183142793-T-A. GRCh37 (hg19) VCF-style: chr1-183111928-T-A.
Identifiers: ClinVar variation 3039717 (VCV003039717.2), dbSNP rs2525782686, ClinGen allele CA2740090416.